The following is an entry in ClinVar:

NM_001458.5(FLNC):c.2839G>C (p.Gly947Arg)

Gene: FLNC (filamin C; plus strand). Cytogenetic location: 7q32.1.
Variant type: single nucleotide variant.
Coding change: c.2839G>C on transcript NM_001458.5 (MANE Select); coding-DNA position 2839, G replaced by C.
Protein change: p.Gly947Arg; replaces glycine 947 with arginine.
Molecular consequence: missense variant.
Genome position (GRCh38, 1-based): chr7:128,843,823, G>C. VCF-style: chr7-128843823-G-C. GRCh37 (hg19) VCF-style: chr7-128483877-G-C.
Other names: c.2839G>C, p.Gly947Arg (NM_001127487.2); short protein forms G947R.
Identifiers: ClinVar variation 539474 (VCV000539474.15), dbSNP rs372741923, ClinGen allele CA4474878.

ClinVar aggregate classification (germline): Likely benign. Review status: criteria provided, multiple submitters, no conflicts (2 of 4 stars). 4 submissions from 4 submitters: Likely benign (4). Last evaluated 2026-09-10.

Conditions:
FLNC-related disorder. Also called: FLNC-related disorders; FLNC-related condition.
Cardiovascular phenotype. Identifiers: MedGen CN230736.
Hypertrophic cardiomyopathy 26. Also called: Cardiomyopathy, familial hypertrophic, 26. Identifiers: Orphanet 75249, MedGen C4310749, MONDO:0014883, OMIM 617047.
Distal myopathy with posterior leg and anterior hand involvement. Also called: WILLIAMS DISTAL MYOPATHY. Identifiers: Orphanet 63273, MedGen C3279722, MONDO:0013550, OMIM 614065.
Myofibrillar myopathy 5. Also called: Filaminopathy (type); FILAMINOPATHY, AUTOSOMAL DOMINANT. Identifiers: Orphanet 171445, MedGen C1836050, MONDO:0012289, OMIM 609524.

Allele frequency attached by ClinVar (database versions not stated): ExAC 0.00015; gnomAD exomes 0.00017 and 0.00002; gnomAD 0.00002; TOPMed 0.00006.

Submissions (4):

PreventionGenetics, part of Exact Sciences
Classification: Likely benign for FLNC-related condition. Last evaluated: 2026-09-10. Review status: criteria provided, single submitter. Criteria: ACMG Guidelines, 2015. Collection method: clinical testing. Allele origin: germline.
Comment: This variant is classified as likely benign based on ACMG/AMP sequence variant interpretation guidelines (Richards et al. 2015 PMID: 25741868, with internal and published modifications).

Labcorp Genetics (formerly Invitae), Labcorp
Classification: Likely benign for Distal myopathy with posterior leg and anterior hand involvement; Myofibrillar myopathy 5; Hypertrophic cardiomyopathy 26. Last evaluated: 2025-12-08. Review status: criteria provided, single submitter. Criteria: Invitae Variant Classification Sherloc (09022015). Collection method: clinical testing. Allele origin: germline.

Blueprint Genetics
Classification: Likely benign. Last evaluated: 2023-03-14. Review status: criteria provided, single submitter. Criteria: ACMG Guidelines, 2015. Collection method: clinical testing. Allele origin: germline.

Ambry Genetics
Classification: Likely benign for Cardiovascular phenotype. Last evaluated: 2021-01-11. Review status: criteria provided, single submitter. Criteria: Ambry Variant Classification Scheme 2023. Collection method: clinical testing. Allele origin: germline.